The following is an entry in ClinVar:

NM_001458.5(FLNC):c.6779A>C (p.Lys2260Thr)

Genes: FLNC (filamin C; plus strand), FLNC-AS1 (FLNC antisense RNA 1; minus strand). Cytogenetic location: 7q32.1.
Variant type: single nucleotide variant.
Coding change: c.6779A>C on transcript NM_001458.5 (MANE Select); coding-DNA position 6779, A replaced by C.
Protein change: p.Lys2260Thr; replaces lysine 2260 with threonine.
Molecular consequence: missense variant.
Genome position (GRCh38, 1-based): chr7:128,854,464, A>C. VCF-style: chr7-128854464-A-C. GRCh37 (hg19) VCF-style: chr7-128494518-A-C.
Other names: c.6680A>C, p.Lys2227Thr (NM_001127487.2); short protein forms K2227T, K2260T.
Identifiers: ClinVar variation 4614195 (VCV004614195.1).

ClinVar aggregate classification (germline): Uncertain significance (1 of 4 stars; one submission).

Conditions:
Cardiovascular phenotype. Identifiers: MedGen CN230736.

gnomAD v4.1: 1 of 1,609,130 alleles (0.000062%); highest among the groups gnomAD compares: African/African-American, 0.0013%; no homozygotes.

Submission:

Ambry Genetics
Classification: Uncertain significance for Cardiovascular phenotype. Last evaluated: 2025-10-14. Review status: criteria provided, single submitter. Criteria: Ambry Variant Classification Scheme 2023. Collection method: clinical testing. Allele origin: germline.
Comment: The p.K2260T variant (also known as c.6779A>C), located in coding exon 41 of the FLNC gene, results from an A to C substitution at nucleotide position 6779. The lysine at codon 2260 is replaced by threonine, an amino acid with similar properties. This amino acid position is conserved. In addition, this alteration is predicted to be tolerated by in silico analysis. Based on the available evidence, the clinical significance of this variant remains unclear.